The following is an entry in ClinVar:

NM_000138.5(FBN1):c.8051+3_8051+9del

Gene: FBN1 (fibrillin 1; minus strand). Cytogenetic location: 15q21.1.
Variant type: Deletion.
Coding change: c.8051+3_8051+9del on transcript NM_000138.5 (MANE Select); bases 3 to 9 of the intron after coding-DNA position 8051, 7 bases deleted (AAGCAGT; older notation c.8051+3_8051+9delAAGCAGT).
Molecular consequence: splice donor variant.
Genome position (GRCh38, 1-based): chr15:48,415,527-48,415,533, ACTGCTT deleted on the plus strand (AAGCAGT on the coding strand, the reverse complement: FBN1 is on the minus strand); deleting any 7 consecutive bases within chr15:48,415,527-48,415,535 gives the same sequence; the c. name uses the placement nearest the transcript's 3' end. VCF-style (leftmost placement, unchanged base first): chr15-48415526-CACTGCTT-C. GRCh37 (hg19) VCF-style: chr15-48707723-CACTGCTT-C.
Identifiers: ClinVar variation 1523864 (VCV001523864.6), dbSNP rs2141214499, ClinGen allele CA2573150946.

ClinVar aggregate classification (germline): Uncertain significance (1 of 4 stars; one submission).

Conditions:
Marfan syndrome (MFS). Also called: MARFAN SYNDROME, TYPE I; Marfan syndrome type 1; Marfan's syndrome; Marfan syndrome, classic; FBN1-Related Marfan Syndrome. Identifiers: Orphanet 284963, Orphanet 558, MedGen C0024796, MONDO:0007947, OMIM 154700.
Familial thoracic aortic aneurysm and aortic dissection (TAAD). Also called: Thoracic aortic aneurysms and dissections. Identifiers: Orphanet 91387, MedGen C4707243, MONDO:0019625.

Submission:

Labcorp Genetics (formerly Invitae), Labcorp
Classification: Uncertain significance for Marfan syndrome; Familial thoracic aortic aneurysm and aortic dissection. Last evaluated: 2021-04-07. Review status: criteria provided, single submitter. Criteria: Invitae Variant Classification Sherloc (09022015). Collection method: clinical testing. Allele origin: germline.
Comment: In summary, the available evidence is currently insufficient to determine the role of this variant in disease. Therefore, it has been classified as a Variant of Uncertain Significance. Nucleotide substitutions within the consensus splice site are a relatively common cause of aberrant splicing (PMID: 17576681, 9536098). Algorithms developed to predict the effect of sequence changes on RNA splicing suggest that this variant may disrupt the consensus splice site, but this prediction has not been confirmed by published transcriptional studies. This variant has not been reported in the literature in individuals with FBN1-related conditions. This variant is not present in population databases (ExAC no frequency). This sequence change falls in intron 64 of the FBN1 gene. It does not directly change the encoded amino acid sequence of the FBN1 protein. It affects a nucleotide within the consensus splice site of the intron.

Literature cited by the submitters: PubMed 17576681; PubMed 9536098.